The following is an entry in ClinVar:

ClinVar aggregate classification (germline): Pathogenic/Likely pathogenic. Review status: criteria provided, multiple submitters, no conflicts (2 of 4 stars). 4 submissions from 4 submitters: Pathogenic (2); Likely pathogenic (1). 1 of the submissions does not count toward it. Last evaluated 2024-12-19.

Conditions:
VAC14-related disorder. Also called: VAC14-related condition.
Striatonigral degeneration, childhood-onset (SNDC). Also called: LENK-PLOSKI SYNDROME. Identifiers: Orphanet 497906, MedGen C4310743, MONDO:0014889, OMIM 617054.
Yunis-Varon syndrome (YVS). Also called: Cleidocranial dysplasia, micrognathia, absent thumbs, & distal aphalangia. Identifiers: Orphanet 3472, MedGen C1857663, MONDO:0008995, OMIM 216340.

Allele frequency attached by ClinVar (database versions not stated): TOPMed 0.00001; ExAC 0.00002; gnomAD 0.00002; gnomAD exomes 0.00002 and 0.00005.
gnomAD v4.1: 30 of 1,614,022 alleles (0.0019%); highest among the groups gnomAD compares: Non-Finnish European, 0.0025%; no homozygotes.

Submissions (4):

Labcorp Genetics (formerly Invitae), Labcorp
Classification: Pathogenic. Last evaluated: 2024-12-19. Review status: criteria provided, single submitter. Criteria: Invitae Variant Classification Sherloc (09022015). Collection method: clinical testing. Allele origin: germline.
Comment: This sequence change creates a premature translational stop signal (p.Leu308*) in the VAC14 gene. It is expected to result in an absent or disrupted protein product. Loss-of-function variants in VAC14 are known to be pathogenic (PMID: 17956977, 28635952). This variant is present in population databases (rs769608639, gnomAD 0.004%). This premature translational stop signal has been observed in individual(s) with Yunis-Varon syndrome (PMID: 28635952). ClinVar contains an entry for this variant (Variation ID: 397536). For these reasons, this variant has been classified as Pathogenic.

Women's Health and Genetics/Laboratory Corporation of America, LabCorp
Classification: Pathogenic for Striatonigral degeneration, childhood-onset. Last evaluated: 2024-10-17. Review status: criteria provided, single submitter. Criteria: LabCorp Variant Classification Summary - May 2015. Collection method: clinical testing. Allele origin: germline.
Comment: Variant summary: VAC14 c.923T>A (p.Leu308X) results in a premature termination codon, predicted to cause a truncation of the encoded protein or absence of the protein due to nonsense mediated decay, which are commonly known mechanisms for disease. The variant allele was found at a frequency of 2e-05 in 251288 control chromosomes. c.923T>A has been reported in the literature in at least one compound heterozygous individual affected with Yunis-Varon syndrome (e.g. Lines_2017). To our knowledge, no experimental evidence demonstrating an impact on protein function has been reported. The following publication has been ascertained in the context of this evaluation (PMID: 28635952). ClinVar contains an entry for this variant (Variation ID: 397536). Based on the evidence outlined above, the variant was classified as pathogenic.

Blueprint Genetics
Classification: Likely pathogenic for VAC14-related disorders. Last evaluated: 2023-12-28. Review status: criteria provided, single submitter. Criteria: ACMG Guidelines, 2015. Collection method: clinical testing. Allele origin: germline. Affected: yes. Observed: 5 variant alleles.

Care4Rare-SOLVE, CHEO
Classification: Uncertain significance for Yunis-Varon syndrome. Last evaluated: 2017-02-22. Review status: no assertion criteria provided. Collection method: clinical testing. Allele origin: maternal. Affected: yes. Study: Care4Rare. Not counted in ClinVar's aggregate classification.
Comment: These two variants were found in a compound heterozygous state. VAC14 forms tri-molecular complex with FIG4 and PIKFYVE. Mouse model shows vacuolar neurodegeneration. Biallelic missense cause striatonigral degeneration. Compelling candidate given CADD score, rarity, mouse model, and forms part of a complex with FIG4, a gene responsible for a portion of children with Yunis-Varon syndrome

Literature cited by the submitters: PubMed 17956977 (cited by Labcorp Genetics (formerly Invitae), Labcorp); PubMed 28635952 (cited by Labcorp Genetics (formerly Invitae), Labcorp and Women's Health and Genetics/Laboratory Corporation of America, LabCorp).

NM_018052.5(VAC14):c.923T>A (p.Leu308Ter)

Gene: VAC14 (VAC14 component of PIKFYVE complex; minus strand). Cytogenetic location: 16q22.1.
Variant type: single nucleotide variant.
Coding change: c.923T>A on transcript NM_018052.5 (MANE Select); coding-DNA position 923, T replaced by A.
Protein change: p.Leu308Ter; replaces leucine 308 with a stop codon.
Molecular consequence: nonsense.
Genome position (GRCh38, 1-based): chr16:70,781,892, A>T on the plus strand (T>A on the coding strand, the complement: VAC14 is on the minus strand). VCF-style: chr16-70781892-A-T. GRCh37 (hg19) VCF-style: chr16-70815795-A-T.
Other names: c.221T>A, p.Leu74Ter (NM_001351157.2); short protein forms L308*, L74*.
Identifiers: ClinVar variation 397536 (VCV000397536.8), dbSNP rs769608639, ClinGen allele CA8147906.